The following is an entry in ClinVar:

NM_002850.4(PTPRS):c.1395C>T (p.Thr465=)

Gene: PTPRS (protein tyrosine phosphatase receptor type S; minus strand). Cytogenetic location: 19p13.3.
Variant type: single nucleotide variant.
Coding change: c.1395C>T on transcript NM_002850.4 (MANE Select); coding-DNA position 1395, C replaced by T.
Protein change: p.Thr465=; no amino-acid change (threonine 465 retained).
Molecular consequence: synonymous variant.
Genome position (GRCh38, 1-based): chr19:5,244,076, G>A on the plus strand (C>T on the coding strand, the complement: PTPRS is on the minus strand). VCF-style: chr19-5244076-G-A. GRCh37 (hg19) VCF-style: chr19-5244087-G-A.
Other names: c.1356C>T, p.Thr452= (NM_001394011.1, NM_001394012.1, NM_001394013.1 and 2 more transcripts); c.1368C>T, p.Thr456= (NM_130855.3).
Identifiers: ClinVar variation 4982799 (VCV004982799.1).

ClinVar aggregate classification (germline): Likely benign (1 of 4 stars; one submission).

Conditions:
PTPRS-related disorder. Also called: PTPRS-related condition.

gnomAD v4.1: 3 of 1,610,796 alleles (0.00019%); highest among the groups gnomAD compares: African/African-American, 0.0027%; no homozygotes.

Submission:

PreventionGenetics, part of Exact Sciences
Classification: Likely benign for PTPRS-related condition. Last evaluated: 2025-04-24. Review status: criteria provided, single submitter. Criteria: ACMG Guidelines, 2015. Collection method: clinical testing. Allele origin: germline.
Comment: This variant is classified as likely benign based on ACMG/AMP sequence variant interpretation guidelines (Richards et al. 2015 PMID: 25741868, with internal and published modifications).